The following is an entry in ClinVar:

NM_001289104.2(PRKCSH):c.812G>A (p.Arg271His)

Gene: PRKCSH (PRKCSH beta subunit of glucosidase II; plus strand). Cytogenetic location: 19p13.2.
Variant type: single nucleotide variant.
Coding change: c.812G>A on transcript NM_001289104.2 (MANE Select); coding-DNA position 812, G replaced by A.
Protein change: p.Arg271His; replaces arginine 271 with histidine.
Molecular consequence: missense variant.
Genome position (GRCh38, 1-based): chr19:11,447,123, G>A. VCF-style: chr19-11447123-G-A. GRCh37 (hg19) VCF-style: chr19-11557938-G-A.
Other names: c.812G>A, p.Arg271His (NM_001001329.3, NM_001289102.2, NM_001289103.2 and 3 more transcripts); short protein forms R271H.
Identifiers: ClinVar variation 2074622 (VCV002074622.33), dbSNP rs150738221, ClinGen allele CA9213007.
Genomic context (GRCh38, chr19:11,447,123, plus strand): 5'-AACACACACAGGCCCTCCTCAGTGGGGACACACAGACAGACGCCACCTCTTTCTACGACC[G>A]CGTCTGGGCCGCCATCAGGGACAAGTACCGGTCCGAGGTCAGTGGAGGAGAAGGGAGGGG-3'
Protein context (NP_001276033.1, residues 261-281): TQTDATSFYD[Arg271His]VWAAIRDKYR

ClinVar aggregate classification (germline): Conflicting classifications of pathogenicity. Review status: criteria provided, conflicting classifications (1 of 4 stars). 5 submissions from 5 submitters: Uncertain significance (2); Likely benign (2). 1 of the submissions does not count toward it. Last evaluated 2025-08-27.

Conditions:
PRKCSH-related disorder. Also called: PRKCSH-related condition.
Polycystic liver disease 1 (PCLD1). Also called: Polycystic liver disease 1 with or without kidney cysts. Identifiers: Orphanet 2924, MedGen C0887850, MONDO:0008265, OMIM 174050.

Allele frequency attached by ClinVar (database versions not stated): gnomAD 0.00010; gnomAD exomes 0.00011; TOPMed 0.00011; ExAC 0.00017; ESP Exome Variant Server 0.00023.

Submissions (5):

Labcorp Genetics (formerly Invitae), Labcorp
Classification: Uncertain significance. Last evaluated: 2025-08-27. Review status: criteria provided, single submitter. Criteria: Invitae Variant Classification Sherloc (09022015). Collection method: clinical testing. Allele origin: germline.
Comment: This sequence change replaces arginine, which is basic and polar, with histidine, which is basic and polar, at codon 271 of the PRKCSH protein (p.Arg271His). This variant is present in population databases (rs150738221, gnomAD 0.03%), and has an allele count higher than expected for a pathogenic variant. This variant has not been reported in the literature in individuals affected with PRKCSH-related conditions. ClinVar contains an entry for this variant (Variation ID: 2074622). An algorithm developed to predict the effect of missense changes on protein structure and function (PolyPhen-2) suggests that this variant is likely to be disruptive. In summary, the available evidence is currently insufficient to determine the role of this variant in disease. Therefore, it has been classified as a Variant of Uncertain Significance.

PreventionGenetics, part of Exact Sciences
Classification: Uncertain significance for PRKCSH-related condition. Last evaluated: 2024-11-26. Review status: criteria provided, single submitter. Criteria: ACMG Guidelines, 2015. Collection method: clinical testing. Allele origin: germline.
Comment: The PRKCSH c.812G>A variant is predicted to result in the amino acid substitution p.Arg271His. To our knowledge, this variant has not been reported in the literature. This variant is reported in 0.033% of alleles in individuals of South Asian descent in gnomAD. Although we suspect that this variant may be benign, at this time, the clinical significance of this variant is uncertain due to the absence of conclusive functional and genetic evidence.

Blueprint Genetics
Classification: Likely benign. Last evaluated: 2024-11-14. Review status: criteria provided, single submitter. Criteria: ACMG Guidelines, 2015. Collection method: clinical testing. Allele origin: germline.

CeGaT Center for Human Genetics Tuebingen
Classification: Likely benign. Last evaluated: 2022-04-01. Review status: criteria provided, single submitter. Criteria: CeGaT Center For Human Genetics Tuebingen Variant Classification Criteria Version 2. Collection method: clinical testing. Allele origin: germline. Affected: yes. Observed: 1 variant allele.
Comment: PRKCSH: BP4, BS1

Genetic Services Laboratory, University of Chicago
Classification: Uncertain significance. Last evaluated: 2022-08-23. Review status: no assertion criteria provided. Collection method: clinical testing. Allele origin: germline. Affected: no. Not counted in ClinVar's aggregate classification.
Comment: DNA sequence analysis of the PRKCSH gene demonstrated a sequence change, c.812G>A, in exon 10 that results in an amino acid change, p.Arg271His. This sequence change has been described in the gnomAD database with a frequency of 0.016% in the non-Finnish European subpopulation (dbSNP rs150738221). The p.Arg271His change affects a poorly conserved amino acid residue located in a domain of the PRKCSH protein that is not known to be functional. In-silico pathogenicity prediction tools (SIFT, PolyPhen2, Align GVGD, REVEL) provide contradictory results for the p.Arg271His substitution. This sequence change does not appear to have been previously described in individuals with PRKCSH-related disorders. Due to insufficient evidences and the lack of functional studies, the clinical significance of the p.Arg271His change remains unknown at this time.